The following is an entry in ClinVar:

ClinVar aggregate classification (germline): Pathogenic. Review status: criteria provided, multiple submitters, no conflicts (2 of 4 stars). 2 submissions from 2 submitters: Pathogenic (2). Last evaluated 2021-08-10.

Conditions:
Severe combined immunodeficiency, autosomal recessive, T cell-negative, B cell-negative, NK cell-negative, due to adenosine deaminase deficiency. Also called: ADA deficiency; Adenosine deaminase deficient severe combined immunodeficiency; Severe combined immunodeficiency due to ADA deficiency; SCID DUE TO ADA DEFICIENCY; SCID DUE TO ADA DEFICIENCY, EARLY-ONSET; Adenosine Deaminase Deficiency. Identifiers: Orphanet 277, MedGen C0392607, MONDO:0007064, OMIM 102700.

Submissions (2):

Genome-Nilou Lab
Classification: Pathogenic for Severe combined immunodeficiency, autosomal recessive, T cell-negative, B cell-negative, NK cell-negative, due to adenosine deaminase deficiency. Last evaluated: 2021-08-10. Review status: criteria provided, single submitter. Criteria: ACMG Guidelines, 2015. Collection method: clinical testing. Allele origin: germline. Affected: no.

Labcorp Genetics (formerly Invitae), Labcorp
Classification: Pathogenic for Severe combined immunodeficiency, autosomal recessive, T cell-negative, B cell-negative, NK cell-negative, due to adenosine deaminase deficiency. Last evaluated: 2020-07-09. Review status: criteria provided, single submitter. Criteria: Invitae Variant Classification Sherloc (09022015). Collection method: clinical testing. Allele origin: germline.
Comment: This variant has not been reported in the literature in individuals with ADA-related conditions. This sequence change creates a premature translational stop signal (p.Glu141*) in the ADA gene. It is expected to result in an absent or disrupted protein product. This variant is not present in population databases (ExAC no frequency). Loss-of-function variants in ADA are known to be pathogenic (PMID: 26255240, 26376800). For these reasons, this variant has been classified as Pathogenic.

Literature cited by the submitters: PubMed 26255240 (cited by Labcorp Genetics (formerly Invitae), Labcorp); PubMed 26376800 (cited by Labcorp Genetics (formerly Invitae), Labcorp).

NM_000022.4(ADA):c.421G>T (p.Glu141Ter)

Gene: ADA (adenosine deaminase; minus strand). Cytogenetic location: 20q13.12.
Variant type: single nucleotide variant.
Coding change: c.421G>T on transcript NM_000022.4 (MANE Select); coding-DNA position 421, G replaced by T.
Protein change: p.Glu141Ter; replaces glutamic acid 141 with a stop codon.
Molecular consequence: nonsense. On other transcripts: non-coding transcript variant (1), intron variant (1).
Genome position (GRCh38, 1-based): chr20:44,625,626, C>A on the plus strand (G>T on the coding strand, the complement: ADA is on the minus strand). VCF-style: chr20-44625626-C-A. GRCh37 (hg19) VCF-style: chr20-43254267-C-A.
Other names: c.421G>T, p.Glu141Ter (NM_001322051.2); c.73+830G>T (NM_001322050.2); short protein forms E141*.
Identifiers: ClinVar variation 1069449 (VCV001069449.9), dbSNP rs1199690825, ClinGen allele CA409121135.